The following is an entry in ClinVar:

ClinVar aggregate classification (germline): Uncertain significance. Review status: criteria provided, single submitter (1 of 4 stars). 2 submissions from 2 submitters: Uncertain significance (1). 1 of the submissions does not count toward it. Last evaluated 2023-11-23.

Conditions:
DENND5B related condition.
DENND5B-related neurodevelopmental disorder.

Submissions (2):

Department of Neurosciences, Rehabilitation, Ophthalmology and Maternal-Fetal Medicine (DINOGMI), University Of Genoa
Classification: Uncertain significance for DENND5B-related neurodevelopmental disorder. Last evaluated: 2023-11-23. Review status: criteria provided, single submitter. Criteria: ACMG Guidelines, 2015. Collection method: research. Allele origin: de novo. Affected: yes. Observed: 1 variant allele.
Comment: Associated with neurodevelopmental phenotypes

Undiagnosed Diseases Network, NIH
Classification: Likely pathogenic for DENND5B related condition. Last evaluated: 2024-03-29. Review status: no assertion criteria provided. Collection method: clinical testing. Allele origin: de novo. Affected: yes. Observed: 1 variant allele, 1 heterozygote. Study: Undiagnosed Diseases Network (NIH), UDN. Not counted in ClinVar's aggregate classification.

Literature cited by the submitters: PubMed 38387458 (cited by Undiagnosed Diseases Network, NIH).

NM_144973.4(DENND5B):c.2547C>A (p.Asp849Glu)

Gene: DENND5B (DENN domain containing 5B; minus strand). Cytogenetic location: 12p11.21.
Variant type: single nucleotide variant.
Coding change: c.2547C>A on transcript NM_144973.4 (MANE Select); coding-DNA position 2547, C replaced by A.
Protein change: p.Asp849Glu; replaces aspartic acid 849 with glutamic acid.
Molecular consequence: missense variant.
Genome position (GRCh38, 1-based): chr12:31,415,372, G>T on the plus strand (C>A on the coding strand, the complement: DENND5B is on the minus strand). VCF-style: chr12-31415372-G-T. GRCh37 (hg19) VCF-style: chr12-31568306-G-T.
Other names: p.Asp849Glu; c.2652C>A, p.Asp884Glu (NM_001308339.2); short protein forms D849E, D884E.
Identifiers: ClinVar variation 2664957 (VCV002664957.3), dbSNP rs1477228213, ClinGen allele CA384251484.